The following is an entry in ClinVar:

NM_000548.5(TSC2):c.3307A>T (p.Arg1103Ter)

Gene: TSC2 (TSC complex subunit 2; plus strand). Cytogenetic location: 16p13.3.
Variant type: single nucleotide variant.
Coding change: c.3307A>T on transcript NM_000548.5 (MANE Select); coding-DNA position 3307, A replaced by T.
Protein change: p.Arg1103Ter; replaces arginine 1103 with a stop codon.
Molecular consequence: nonsense. On other transcripts: non-coding transcript variant (5).
Genome position (GRCh38, 1-based): chr16:2,079,579, A>T. VCF-style: chr16-2079579-A-T. GRCh37 (hg19) VCF-style: chr16-2129580-A-T.
Other names: c.3175A>T, p.Arg1059Ter (NM_001077183.3, NM_001370404.1, NM_001406665.1); c.3307A>T, p.Arg1103Ter (NM_001114382.3); c.3067A>T, p.Arg1023Ter (NM_001318827.2); c.3031A>T, p.Arg1011Ter (NM_001318829.2); c.2575A>T, p.Arg859Ter (NM_001318831.2, NM_001406687.1, NM_001406688.1); c.3208A>T, p.Arg1070Ter (NM_001318832.2); c.3178A>T, p.Arg1060Ter (NM_001363528.2, NM_021055.3, NM_001370405.1); c.3157A>T, p.Arg1053Ter (NM_001406676.1); and 18 more; short protein forms R1010*, R1011*, R1022*, R1059*, R1102*, R525*, R612*, R906*.
Identifiers: ClinVar variation 2834245 (VCV002834245.3), dbSNP rs2544066099, ClinGen allele CA394286541.

ClinVar aggregate classification (germline): Pathogenic (1 of 4 stars; one submission).

Conditions:
Tuberous sclerosis 2 (TSC2). Identifiers: Orphanet 805, MedGen C1860707, MONDO:0013199, OMIM 613254.

Submission:

Labcorp Genetics (formerly Invitae), Labcorp
Classification: Pathogenic for Tuberous sclerosis 2. Last evaluated: 2023-06-01. Review status: criteria provided, single submitter. Criteria: Invitae Variant Classification Sherloc (09022015). Collection method: clinical testing. Allele origin: germline.
Comment: This sequence change creates a premature translational stop signal (p.Arg1103*) in the TSC2 gene. It is expected to result in an absent or disrupted protein product. Loss-of-function variants in TSC2 are known to be pathogenic (PMID: 10205261, 17304050). This variant is not present in population databases (gnomAD no frequency). This variant has not been reported in the literature in individuals affected with TSC2-related conditions. Algorithms developed to predict the effect of sequence changes on RNA splicing suggest that this variant may disrupt the consensus splice site. For these reasons, this variant has been classified as Pathogenic.

Literature cited by the submitters: PubMed 10205261; PubMed 17304050.